The following is an entry in ClinVar:

NM_000152.5(GAA):c.1637G>A (p.Gly546Glu)

Gene: GAA (alpha glucosidase; plus strand). Cytogenetic location: 17q25.3.
Variant type: single nucleotide variant.
Coding change: c.1637G>A on transcript NM_000152.5 (MANE Select); coding-DNA position 1637, G replaced by A.
Protein change: p.Gly546Glu; replaces glycine 546 with glutamic acid.
Molecular consequence: missense variant.
Genome position (GRCh38, 1-based): chr17:80,111,983, G>A. VCF-style: chr17-80111983-G-A. GRCh37 (hg19) VCF-style: chr17-78085782-G-A.
Other names: c.1637G>A, p.Gly546Glu (NM_001079803.3, NM_001079804.3, NM_001406741.1 and 1 more transcripts); short protein forms G546E.
Identifiers: ClinVar variation 4876515 (VCV004876515.1).

ClinVar aggregate classification (germline): Likely pathogenic (1 of 4 stars; one submission).

Conditions:
Glycogen storage disease, type II (IOPD). Also called: Pompe Disease; CARDIOMEGALIA GLYCOGENICA DIFFUSA; GLYCOGENOSIS, GENERALIZED, CARDIAC FORM; GSD II; POMPE DISEASE, INFANTILE-ONSET; GLYCOGEN STORAGE DISEASE II, INFANTILE-ONSET. Identifiers: Orphanet 365, MedGen C0017921, MONDO:0009290, OMIM 232300.

Submission:

Genomenon, Inc
Classification: Likely pathogenic for Glycogen storage disease, type II. Last evaluated: 2026-07-01. Review status: criteria provided, single submitter. Criteria: Genomenon Sequence Variant Interpretation Standards - Updated. Collection method: curation. Allele origin: germline. Affected: yes.
Comment: GAA p.Gly546Glu (c.1637G>A) is a missense variant that changes the amino acid at codon 546 from Glycine to Glutamic acid. This variant has been observed in at least one proband with a GAA-related disorder in the compound heterozygous and/or homozygous state (PMID:27711114). It is absent or not present at a significant frequency in gnomAD. In silico models predict that this variant is possibly or probably damaging. In conclusion, we classify GAA p.Gly546Glu (c.1637G>A) as a likely pathogenic variant.

Literature cited by the submitters: PubMed 27711114.